The following is an entry in ClinVar:

GRCh38/hg38 Xq28(chrX:152789896-153047281)x2

Genes: CETN2 (centrin 2; minus strand), MAGEA6-DT (MAGEA6 divergent transcript; plus strand), NSDHL (NAD(P) dependent 3-beta-hydroxysteroid dehydrogenase NSDHL; plus strand), PNMA5 (PNMA family member 5; minus strand), ZNF185 (zinc finger protein 185 with LIM domain; plus strand) and 7 more. Cytogenetic location: Xq28.
Variant type: copy number gain.
Change: copy number 2 of chrX:152,789,896-153,047,281 (257.4 kb, GRCh38 coordinates, 1-based), cytogenetic band Xq28.
Identifiers: ClinVar variation 60418 (VCV000060418.1).

ClinVar aggregate classification (germline): Uncertain significance (1 of 4 stars; one submission).

Submission:

ISCA site 14
Classification: Uncertain significance. Last evaluated: 2011-08-12. Review status: criteria provided, single submitter. Criteria: Kaminsky et al. (Genet Med. 2011). Collection method: clinical testing. Allele origin: unknown. Affected: yes. Observed: 1 variant allele.
Comment: Copy number variation identified through the course of routine clinical cytogenomic testing in postnatal populations. Clinical assertions have been curated as described in Kaminsky et al. 2011.